The following is an entry in ClinVar:

ClinVar aggregate classification (germline): Uncertain significance (1 of 4 stars; one submission).

Submission:

Labcorp Genetics (formerly Invitae), Labcorp
Classification: Uncertain significance. Last evaluated: 2021-09-24. Review status: criteria provided, single submitter. Criteria: Invitae Variant Classification Sherloc (09022015). Collection method: clinical testing. Allele origin: germline.
Comment: This sequence change replaces aspartic acid with glutamic acid at codon 389 of the PTPN23 protein (p.Asp389Glu). The aspartic acid residue is weakly conserved and there is a small physicochemical difference between aspartic acid and glutamic acid. This variant is not present in population databases (ExAC no frequency). This variant has not been reported in the literature in individuals with PTPN23-related conditions. Algorithms developed to predict the effect of missense changes on protein structure and function output the following: SIFT: "Tolerated"; PolyPhen-2: "Not Available"; Align-GVGD: "Class C0". The glutamic acid amino acid residue is found in multiple mammalian species, suggesting that this missense change does not adversely affect protein function. These predictions have not been confirmed by published functional studies and their clinical significance is uncertain. In summary, the available evidence is currently insufficient to determine the role of this variant in disease. Therefore, it has been classified as a Variant of Uncertain Significance.

NM_015466.4(PTPN23):c.1167C>A (p.Asp389Glu)

Gene: PTPN23 (protein tyrosine phosphatase non-receptor type 23; plus strand). Cytogenetic location: 3p21.31.
Variant type: single nucleotide variant.
Coding change: c.1167C>A on transcript NM_015466.4 (MANE Select); coding-DNA position 1167, C replaced by A.
Protein change: p.Asp389Glu; replaces aspartic acid 389 with glutamic acid.
Molecular consequence: missense variant.
Genome position (GRCh38, 1-based): chr3:47,407,938, C>A. VCF-style: chr3-47407938-C-A. GRCh37 (hg19) VCF-style: chr3-47449428-C-A.
Other names: c.789C>A, p.Asp263Glu (NM_001304482.2); short protein forms D263E, D389E.
Identifiers: ClinVar variation 1431406 (VCV001431406.5), dbSNP rs1443661753, ClinGen allele CA352551099.